The following is an entry in ClinVar:

ClinVar aggregate classification (germline): Uncertain significance. Review status: criteria provided, multiple submitters, no conflicts (2 of 4 stars). 2 submissions from 2 submitters: Uncertain significance (2). Last evaluated 2024-10-14.

Conditions:
Granulomatous disease, chronic, autosomal recessive, cytochrome b-positive, type 3. Also called: GRANULOMATOUS DISEASE, CHRONIC, AUTOSOMAL RECESSIVE, 3; GRANULOMATOUS DISEASE, CHRONIC, DUE TO NCF4 DEFICIENCY; Granulomatous disease, chronic, autosomal recessive, cytochrome b-positive, type III; CGD, AUTOSOMAL RECESSIVE CYTOCHROME b-POSITIVE, TYPE III. Identifiers: Orphanet 379, MedGen C3151409, MONDO:0013507, OMIM 613960.

Allele frequency attached by ClinVar (database versions not stated): TOPMed 0.00002.
gnomAD v4.1: 20 of 1,613,986 alleles (0.0012%); highest among the groups gnomAD compares: Non-Finnish European, 0.0017%; no homozygotes.

Submissions (2):

Labcorp Genetics (formerly Invitae), Labcorp
Classification: Uncertain significance for Granulomatous disease, chronic, autosomal recessive, cytochrome b-positive, type 3. Last evaluated: 2024-10-14. Review status: criteria provided, single submitter. Criteria: Invitae Variant Classification Sherloc (09022015). Collection method: clinical testing. Allele origin: germline.
Comment: This sequence change replaces leucine, which is neutral and non-polar, with glutamine, which is neutral and polar, at codon 266 of the NCF4 protein (p.Leu266Gln). This variant is not present in population databases (gnomAD no frequency). This variant has not been reported in the literature in individuals affected with NCF4-related conditions. ClinVar contains an entry for this variant (Variation ID: 959502). An algorithm developed to predict the effect of missense changes on protein structure and function (PolyPhen-2) suggests that this variant¬†is likely to be tolerated. In summary, the available evidence is currently insufficient to determine the role of this variant in disease. Therefore, it has been classified as a Variant of Uncertain Significance.

Ambry Genetics
Classification: Uncertain significance. Last evaluated: 2023-05-24. Review status: criteria provided, single submitter. Criteria: Ambry Variant Classification Scheme 2023. Collection method: clinical testing. Allele origin: germline.

NM_000631.5(NCF4):c.758+39T>A

Gene: NCF4 (neutrophil cytosolic factor 4; plus strand). Cytogenetic location: 22q12.3.
Variant type: single nucleotide variant.
Coding change: c.758+39T>A on transcript NM_000631.5 (MANE Select); 39 bases into the intron after coding-DNA position 758, T replaced by A.
Molecular consequence: intron variant. On other transcripts: missense variant (1).
Genome position (GRCh38, 1-based): chr22:36,875,822, T>A. VCF-style: chr22-36875822-T-A. GRCh37 (hg19) VCF-style: chr22-37271864-T-A.
Other names: c.797T>A, p.Leu266Gln (NM_013416.4); short protein forms L266Q.
Identifiers: ClinVar variation 959502 (VCV000959502.9), dbSNP rs532148733, ClinGen allele CA323996690.